The following is an entry in ClinVar:

ClinVar aggregate classification (germline): Likely benign. Review status: criteria provided, multiple submitters, no conflicts (2 of 4 stars). 2 submissions from 2 submitters: Likely benign (2). Last evaluated 2026-04-01.

Conditions:
Intellectual disability. Also called: Intellectual functioning disability; Intellectual developmental disorder; intellectual disabilities. Identifiers: HP:0007044, MedGen C3714756, MeSH D008607, MONDO:0001071.

Allele frequency attached by ClinVar (database versions not stated): ExAC 0.00002; gnomAD exomes 0.00002 and 0.00006; 1000 Genomes Project 30x 0.00016; gnomAD 0.00019 and 0.00020; 1000 Genomes Project 0.00020; TOPMed 0.00028.
gnomAD v4.1: 51 of 1,607,448 alleles (0.0032%); highest among the groups gnomAD compares: Admixed American, 0.077%; no homozygotes.

Submissions (2):

CeGaT Center for Human Genetics Tuebingen
Classification: Likely benign. Last evaluated: 2026-04-01. Review status: criteria provided, single submitter. Criteria: CeGaT Center For Human Genetics Tuebingen Variant Classification Criteria Version 2. Collection method: clinical testing. Allele origin: germline. Affected: yes. Observed: 1 variant allele.
Comment: GABRB2: BP4, BP7

Labcorp Genetics (formerly Invitae), Labcorp
Classification: Likely benign for Intellectual disability. Last evaluated: 2026-01-17. Review status: criteria provided, single submitter. Criteria: Invitae Variant Classification Sherloc (09022015). Collection method: clinical testing. Allele origin: germline.

NM_001371727.1(GABRB2):c.573C>T (p.Tyr191=)

Gene: GABRB2 (gamma-aminobutyric acid type A receptor subunit beta2; minus strand). Cytogenetic location: 5q34.
Variant type: single nucleotide variant.
Coding change: c.573C>T on transcript NM_001371727.1 (MANE Select); coding-DNA position 573, C replaced by T.
Protein change: p.Tyr191=; no amino-acid change (tyrosine 191 retained).
Molecular consequence: synonymous variant.
Genome position (GRCh38, 1-based): chr5:161,336,738, G>A on the plus strand (C>T on the coding strand, the complement: GABRB2 is on the minus strand). VCF-style: chr5-161336738-G-A. GRCh37 (hg19) VCF-style: chr5-160763745-G-A.
Other names: c.573C>T, p.Tyr191= (NM_000813.3, NM_021911.3).
Identifiers: ClinVar variation 707345 (VCV000707345.13), dbSNP rs199576643, ClinGen allele CA3543524.